The following is an entry in ClinVar:

NM_001366385.1(CARD14):c.2881G>A (p.Asp961Asn)

Genes: CARD14 (caspase recruitment domain family member 14; plus strand), SGSH (N-sulfoglucosamine sulfohydrolase; minus strand). Cytogenetic location: 17q25.3.
Variant type: single nucleotide variant.
Coding change: c.2881G>A on transcript NM_001366385.1 (MANE Select); coding-DNA position 2881, G replaced by A.
Protein change: p.Asp961Asn; replaces aspartic acid 961 with asparagine.
Molecular consequence: missense variant. On other transcripts: non-coding transcript variant (1).
Genome position (GRCh38, 1-based): chr17:80,208,211, G>A. VCF-style: chr17-80208211-G-A. GRCh37 (hg19) VCF-style: chr17-78182010-G-A.
Other names: c.2881G>A (NM_024110.3); c.2881G>A, p.Asp961Asn (NM_024110.4); short protein forms D961N.
Identifiers: ClinVar variation 2928841 (VCV002928841.4), dbSNP rs747172725, ClinGen allele CA8817499.

ClinVar aggregate classification (germline): Uncertain significance. Review status: criteria provided, multiple submitters, no conflicts (2 of 4 stars). 2 submissions from 2 submitters: Uncertain significance (2). Last evaluated 2025-12-29.

Conditions:
Psoriasis 2. Identifiers: MedGen C1864497, MONDO:0011269, OMIM 602723.
Pityriasis rubra pilaris (PRP). Also called: Pityriasis rubra pilaris--familial type. Identifiers: Orphanet 2897, MedGen C0032027, MONDO:0100017, OMIM 173200, MONDO:0008251.
Inborn genetic diseases. Identifiers: MedGen C0950123, MeSH D030342.

Allele frequency attached by ClinVar (database versions not stated): ExAC 0.00005.
gnomAD v4.1: 7 of 1,558,114 alleles (0.00045%); highest among the groups gnomAD compares: Admixed American, 0.0019%; no homozygotes.

Submissions (2):

Ambry Genetics
Classification: Uncertain significance for Inborn genetic diseases. Last evaluated: 2025-12-29. Review status: criteria provided, single submitter. Criteria: Ambry Variant Classification Scheme 2023. Collection method: clinical testing. Allele origin: germline.
Comment: The c.2881G>A (p.D961N) alteration is located in exon 21 (coding exon 20) of the CARD14 gene. This alteration results from a G to A substitution at nucleotide position 2881, causing the aspartic acid (D) at amino acid position 961 to be replaced by an asparagine (N). Based on data from gnomAD, the A allele has an overall frequency of 0.001% (2/166348) total alleles studied. The highest observed frequency was 0.003% (2/66062) of European (non-Finnish) alleles. Based on insufficient or conflicting evidence, the clinical significance of this alteration remains unclear.

Labcorp Genetics (formerly Invitae), Labcorp
Classification: Uncertain significance for Pityriasis rubra pilaris; Psoriasis 2. Last evaluated: 2025-03-30. Review status: criteria provided, single submitter. Criteria: Invitae Variant Classification Sherloc (09022015). Collection method: clinical testing. Allele origin: germline.
Comment: This sequence change replaces aspartic acid, which is acidic and polar, with asparagine, which is neutral and polar, at codon 961 of the CARD14 protein (p.Asp961Asn). This variant is present in population databases (rs747172725, gnomAD 0.003%). This variant has not been reported in the literature in individuals affected with CARD14-related conditions. ClinVar contains an entry for this variant (Variation ID: 2928841). Invitae Evidence Modeling of protein sequence and biophysical properties (such as structural, functional, and spatial information, amino acid conservation, physicochemical variation, residue mobility, and thermodynamic stability) has been performed for this missense variant. However, the output from this modeling did not meet the statistical confidence thresholds required to predict the impact of this variant on CARD14 protein function. In summary, the available evidence is currently insufficient to determine the role of this variant in disease. Therefore, it has been classified as a Variant of Uncertain Significance.